The following is an entry in ClinVar:

ClinVar aggregate classification (germline): Uncertain significance. Review status: criteria provided, multiple submitters, no conflicts (2 of 4 stars). 4 submissions from 4 submitters: Uncertain significance (4). Last evaluated 2025-01-22.

Conditions:
Usher syndrome type 3B. Also called: USHER SYNDROME, TYPE IIIB. Identifiers: MedGen C3281066, MONDO:0013788, OMIM 614504.

Allele frequency attached by ClinVar (database versions not stated): ExAC 0.00001; gnomAD exomes 0.00001; TOPMed 0.00001; ESP Exome Variant Server 0.00008.
gnomAD v4.1: 27 of 1,607,260 alleles (0.0017%); highest among the groups gnomAD compares: Non-Finnish European, 0.0022%; no homozygotes.

Submissions (4):

Ambry Genetics
Classification: Uncertain significance. Last evaluated: 2025-01-22. Review status: criteria provided, single submitter. Criteria: Ambry Variant Classification Scheme 2023. Collection method: clinical testing. Allele origin: germline.

Labcorp Genetics (formerly Invitae), Labcorp
Classification: Uncertain significance for Usher syndrome type 3B. Last evaluated: 2024-11-26. Review status: criteria provided, single submitter. Criteria: Invitae Variant Classification Sherloc (09022015). Collection method: clinical testing. Allele origin: germline.
Comment: This sequence change replaces cysteine, which is neutral and slightly polar, with arginine, which is basic and polar, at codon 507 of the HARS protein (p.Cys507Arg). This variant is present in population databases (rs150090766, gnomAD 0.0009%). This variant has not been reported in the literature in individuals affected with HARS-related conditions. ClinVar contains an entry for this variant (Variation ID: 1053083). An algorithm developed to predict the effect of missense changes on protein structure and function outputs the following: PolyPhen-2: "Benign". The arginine amino acid residue is found in multiple mammalian species, which suggests that this missense change does not adversely affect protein function. In summary, the available evidence is currently insufficient to determine the role of this variant in disease. Therefore, it has been classified as a Variant of Uncertain Significance.

GeneDx
Classification: Uncertain significance. Last evaluated: 2019-05-17. Review status: criteria provided, single submitter. Criteria: GeneDx Variant Classification Process June 2021. Collection method: clinical testing. Allele origin: germline. Affected: yes.
Comment: In silico analysis, which includes protein predictors and evolutionary conservation, supports that this variant does not alter protein structure/function; Has not been previously published as pathogenic or benign to our knowledge

Blueprint Genetics
Classification: Uncertain significance. Last evaluated: 2017-09-15. Review status: criteria provided, single submitter. Criteria: ACMG Guidelines, 2015. Collection method: clinical testing. Allele origin: germline.

NM_002109.6(HARS1):c.1519T>C (p.Cys507Arg)

Gene: HARS1 (histidyl-tRNA synthetase 1; minus strand). Cytogenetic location: 5q31.3.
Variant type: single nucleotide variant.
Coding change: c.1519T>C on transcript NM_002109.6 (MANE Select); coding-DNA position 1519, T replaced by C.
Protein change: p.Cys507Arg; replaces cysteine 507 with arginine.
Molecular consequence: missense variant.
Genome position (GRCh38, 1-based): chr5:140,674,268, A>G on the plus strand (T>C on the coding strand, the complement: HARS1 is on the minus strand). VCF-style: chr5-140674268-A-G. GRCh37 (hg19) VCF-style: chr5-140053853-A-G.
Other names: c.1399T>C, p.Cys467Arg (NM_001258040.3); c.1459T>C, p.Cys487Arg (NM_001258041.3); c.1339T>C, p.Cys447Arg (NM_001258042.3); c.1297T>C, p.Cys433Arg (NM_001289092.2); c.1177T>C, p.Cys393Arg (NM_001289093.2); c.1432T>C, p.Cys478Arg (NM_001289094.2); short protein forms C393R, C433R, C447R, C467R, C478R, C487R, C507R.
Identifiers: ClinVar variation 1053083 (VCV001053083.12), dbSNP rs150090766, ClinGen allele CA3443793.
Genomic context (GRCh38, chr5:140,674,268, plus strand): 5'-CCTCAAATAGTGCCAGTCCCACTTCCTTTCCTCTGATAGTTTGTTCAGTTCAGCAGATGC[A>G]GAGGGGCTGGCCTGTTCTCCTTTTGATTTCCTCCACAAGGTCTTCTCTTCGGACATCCAC-3'
Protein context (NP_002100.2, residues 497-509): EIKRRTGQPL[Cys507Arg]IC